The following is an entry in ClinVar:

NM_001267550.2(TTN):c.95055del (p.Lys31685fs)

Genes: TTN (titin; minus strand), TTN-AS1 (TTN antisense RNA 1; plus strand). Cytogenetic location: 2q31.2.
Variant type: Deletion.
Coding change: c.95055del on transcript NM_001267550.2 (MANE Select); coding-DNA position 95055, one base deleted (A; older notation c.95055delA).
Protein change: p.Lys31685fs; shifts the reading frame from lysine 31685.
Molecular consequence: frameshift variant.
Genome position (GRCh38, 1-based): chr2:178,546,276, T deleted on the plus strand (A on the coding strand, the reverse complement: TTN is on the minus strand); the first of 4 consecutive T bases (chr2:178,546,276-178,546,279); deleting any one gives the same sequence. VCF-style (leftmost placement, unchanged base first): chr2-178546275-AT-A. GRCh37 (hg19) VCF-style: chr2-179411002-AT-A.
Other names: c.90132del, p.Lys30044fs (NM_001256850.1); c.67860del, p.Lys22620fs (NM_003319.4); c.87351del, p.Lys29117fs (NM_133378.4); c.68235del, p.Lys22745fs (NM_133432.3); c.68436del, p.Lys22812fs (NM_133437.4); short protein forms K22745fs, K29117fs, K30044fs, K22812fs, K22620fs, K31685fs.
Identifiers: ClinVar variation 1510939 (VCV001510939.8), dbSNP rs1174834630, ClinGen allele CA538435112.

ClinVar aggregate classification (germline): Likely pathogenic (1 of 4 stars; one submission).

Conditions:
Dilated cardiomyopathy 1G (CMD1G). Identifiers: Orphanet 154, MedGen C1858763, MONDO:0011400, OMIM 604145.
Autosomal recessive limb-girdle muscular dystrophy type 2J (LGMDR10). Also called: Limb-girdle muscular dystrophy, type 2J; MUSCULAR DYSTROPHY, LIMB-GIRDLE, AUTOSOMAL RECESSIVE 10. Identifiers: Orphanet 140922, MedGen C1837342, MONDO:0012127, OMIM 608807.

Submission:

Labcorp Genetics (formerly Invitae), Labcorp
Classification: Likely pathogenic for Dilated cardiomyopathy 1G; Autosomal recessive limb-girdle muscular dystrophy type 2J. Last evaluated: 2022-03-18. Review status: criteria provided, single submitter. Criteria: Invitae Variant Classification Sherloc (09022015). Collection method: clinical testing. Allele origin: germline.
Comment: This sequence change creates a premature translational stop signal (p.Lys31685Asnfs*4) in the TTN gene. While this is not anticipated to result in nonsense mediated decay, it is expected to create a truncated TTN protein. The frequency data for this variant in the population databases is considered unreliable, as metrics indicate poor data quality at this position in the gnomAD database. This variant has not been reported in the literature in individuals affected with TTN-related conditions. This variant is located in the A band of TTN (PMID: 25589632). Truncating variants in this region are significantly overrepresented in patients affected with dilated cardiomyopathy (PMID: 25589632). Truncating variants in this region have also been reported in individuals affected with autosomal recessive centronuclear myopathy (PMID: 23975875). In summary, the currently available evidence indicates that the variant is pathogenic, but additional data are needed to prove that conclusively. Therefore, this variant has been classified as Likely Pathogenic.

Literature cited by the submitters: PubMed 25589632; PubMed 23975875.